The following is an entry in ClinVar:

NM_000548.5(TSC2):c.482-114T>C

Gene: TSC2 (TSC complex subunit 2; plus strand). Cytogenetic location: 16p13.3.
Variant type: single nucleotide variant.
Coding change: c.482-114T>C on transcript NM_000548.5 (MANE Select); 114 bases into the intron before coding-DNA position 482, T replaced by C.
Molecular consequence: intron variant.
Genome position (GRCh38, 1-based): chr16:2,055,288, T>C. VCF-style: chr16-2055288-T-C. GRCh37 (hg19) VCF-style: chr16-2105289-T-C.
Other names: c.482-114T>C (NM_001114382.3, NM_021055.3, NM_001370405.1 and 3 more transcripts); c.371-114T>C (NM_001318827.2); c.-1-908T>C (NM_001318831.2); c.335-114T>C (NM_001318829.2); c.515-114T>C (NM_001318832.2).
Identifiers: ClinVar variation 676697 (VCV000676697.1), dbSNP rs77037371, ClinGen allele CA276771928.

ClinVar aggregate classification (germline): Likely benign (1 of 4 stars; one submission).

Allele frequency attached by ClinVar (database versions not stated): 1000 Genomes Project 30x 0.01171; 1000 Genomes Project 0.01198; gnomAD 0.01280 and 0.01383; TOPMed 0.01484.
gnomAD v4.1: 3,300 of 846,576 alleles (0.39%); highest among the groups gnomAD compares: African/African-American, 4.3%; 64 homozygotes.

Submission:

GeneDx
Classification: Likely benign. Last evaluated: 2018-06-14. Review status: criteria provided, single submitter. Criteria: GeneDx Variant Classification (06012015). Collection method: clinical testing. Allele origin: germline. Affected: yes.
Comment: This variant is considered likely benign or benign based on one or more of the following criteria: it is a conservative change, it occurs at a poorly conserved position in the protein, it is predicted to be benign by multiple in silico algorithms, and/or has population frequency not consistent with disease.